The following is an entry in ClinVar:

NM_000155.4(GALT):c.542C>A (p.Ser181Tyr)

Gene: GALT (galactose-1-phosphate uridylyltransferase; plus strand). Cytogenetic location: 9p13.3.
Variant type: single nucleotide variant.
Coding change: c.542C>A on transcript NM_000155.4 (MANE Select); coding-DNA position 542, C replaced by A.
Protein change: p.Ser181Tyr; replaces serine 181 with tyrosine.
Molecular consequence: missense variant.
Genome position (GRCh38, 1-based): chr9:34,648,149, C>A. VCF-style: chr9-34648149-C-A. GRCh37 (hg19) VCF-style: chr9-34648146-C-A.
Other names: c.215C>A, p.Ser72Tyr (NM_001258332.2); short protein forms S181Y, S72Y.
Identifiers: ClinVar variation 859409 (VCV000859409.11), dbSNP rs367543259, ClinGen allele CA373281576.
Genomic context (GRCh38, chr9:34,648,149, plus strand): 5'-CAGAGCTCCGTATCCCTATCTGATAGATCTTTGAAAACAAAGGTGCCATGATGGGCTGTT[C>A]TAACCCCCACCCCCACTGCCAGGTAAGGGTGTCAGGGGCTCCAGTGGGTTTCTTGGCTGA-3'
Protein context (NP_000146.2, residues 171-191): FENKGAMMGC[Ser181Tyr]NPHPHCQVWA

ClinVar aggregate classification (germline): Uncertain significance (1 of 4 stars; one submission).

Conditions:
Deficiency of UDPglucose-hexose-1-phosphate uridylyltransferase. Also called: GALACTOSE-1-PHOSPHATE URIDYLYLTRANSFERASE DEFICIENCY; GALACTOSEMIA I; GALT deficiency; Galactosemia, classic; Transferase Deficiency Galactosemia. Identifiers: Orphanet 352, Orphanet 79239, MedGen C0268151, MONDO:0009258, OMIM 230400.

Submission:

Labcorp Genetics (formerly Invitae), Labcorp
Classification: Uncertain significance for Deficiency of UDPglucose-hexose-1-phosphate uridylyltransferase. Last evaluated: 2019-12-19. Review status: criteria provided, single submitter. Criteria: Invitae Variant Classification Sherloc (09022015). Collection method: clinical testing. Allele origin: germline.
Comment: In summary, the available evidence is currently insufficient to determine the role of this variant in disease. Therefore, it has been classified as a Variant of Uncertain Significance. This variant disrupts the p.Ser181 amino acid residue in GALT. Other variant(s) that disrupt this residue have been observed in individuals with GALT-related conditions (PMID: 23022339, 17041746), which suggests that this may be a clinically significant amino acid residue. Algorithms developed to predict the effect of missense changes on protein structure and function are either unavailable or do not agree on the potential impact of this missense change (SIFT: "Deleterious"; PolyPhen-2: "Probably Damaging"; Align-GVGD: "Class C15"). This variant has been observed in individual(s) with biochemical features of galactosemia (Invitae). This variant is not present in population databases (ExAC no frequency). This sequence change replaces serine with tyrosine at codon 181 of the GALT protein (p.Ser181Tyr). The serine residue is highly conserved and there is a large physicochemical difference between serine and tyrosine.

Literature cited by the submitters: PubMed 23022339; PubMed 17041746.